The following is an entry in ClinVar:

ClinVar aggregate classification (germline): Conflicting classifications of pathogenicity. Review status: criteria provided, conflicting classifications (1 of 4 stars). 3 submissions from 3 submitters: Uncertain significance (1); Likely benign (2). Last evaluated 2025-12-09.

Conditions:
Hereditary cancer-predisposing syndrome. Also called: Neoplastic Syndromes, Hereditary; Hereditary Cancer Syndrome; Hereditary neoplastic syndrome; Tumor predisposition. Identifiers: Orphanet 140162, MedGen C0027672, MeSH D009386, MONDO:0015356.
Gastrointestinal stromal tumor. Also called: Gastrointestinal stromal tumor, somatic; Gastrointestinal stroma tumor. Identifiers: Orphanet 44890, MedGen C0238198, MeSH D046152, MONDO:0011719, OMIM 606764, HP:0100723.

Allele frequency attached by ClinVar (database versions not stated): gnomAD 0.00001.
gnomAD v4.1: 4 of 1,614,078 alleles (0.00025%); highest among the groups gnomAD compares: Non-Finnish European, 0.000085%; no homozygotes.

Submissions (3):

Labcorp Genetics (formerly Invitae), Labcorp
Classification: Uncertain significance for Gastrointestinal stromal tumor. Last evaluated: 2025-12-09. Review status: criteria provided, single submitter. Criteria: Invitae Variant Classification Sherloc (09022015). Collection method: clinical testing. Allele origin: germline.
Comment: This sequence change replaces glutamine, which is neutral and polar, with histidine, which is basic and polar, at codon 323 of the PDGFRA protein (p.Gln323His). This variant is present in population databases (rs769276081, gnomAD 0.02%). This variant has not been reported in the literature in individuals affected with PDGFRA-related conditions. ClinVar contains an entry for this variant (Variation ID: 459133). Invitae Evidence Modeling of protein sequence and biophysical properties (such as structural, functional, and spatial information, amino acid conservation, physicochemical variation, residue mobility, and thermodynamic stability) indicates that this missense variant is not expected to disrupt PDGFRA protein function with a negative predictive value of 80%. In summary, the available evidence is currently insufficient to determine the role of this variant in disease. Therefore, it has been classified as a Variant of Uncertain Significance.

Ambry Genetics
Classification: Likely benign for Hereditary cancer-predisposing syndrome. Last evaluated: 2025-01-07. Review status: criteria provided, single submitter. Criteria: Ambry Variant Classification Scheme 2023. Collection method: clinical testing. Allele origin: germline.

Blueprint Genetics
Classification: Likely benign. Last evaluated: 2023-05-29. Review status: criteria provided, single submitter. Criteria: ACMG Guidelines, 2015. Collection method: clinical testing. Allele origin: germline.

NM_006206.6(PDGFRA):c.969G>C (p.Gln323His)

Gene: PDGFRA (platelet derived growth factor receptor alpha; plus strand). Cytogenetic location: 4q12.
Variant type: single nucleotide variant.
Coding change: c.969G>C on transcript NM_006206.6 (MANE Select); coding-DNA position 969, G replaced by C.
Protein change: p.Gln323His; replaces glutamine 323 with histidine.
Molecular consequence: missense variant.
Genome position (GRCh38, 1-based): chr4:54,267,589, G>C. VCF-style: chr4-54267589-G-C. GRCh37 (hg19) VCF-style: chr4-55133756-G-C.
Other names: c.969G>C, p.Gln323His (NM_001347827.2, NM_001347829.2); c.1044G>C, p.Gln348His (NM_001347828.2); c.1008G>C, p.Gln336His (NM_001347830.2); short protein forms Q323H, Q336H, Q348H.
Identifiers: ClinVar variation 459133 (VCV000459133.11), dbSNP rs769276081, ClinGen allele CA2922442.